The following is an entry in ClinVar:

NC_000011.9:g.(?_108137888)_(108196962_?)del

Gene: ATM (ATM serine/threonine kinase; plus strand). Cytogenetic location: 11q22.3.
Variant type: Deletion.
Identifiers: ClinVar variation 3244461 (VCV003244461.1).

ClinVar aggregate classification (germline): Pathogenic (1 of 4 stars; one submission).

Conditions:
Ataxia-telangiectasia syndrome (AT). Also called: LOUIS-BAR SYNDROME; Cerebello-oculocutaneous telangiectasia; Immunodeficiency with ataxia telangiectasia; AT, COMPLEMENTATION GROUP C; Ataxia-telangiectasia, complementation group D; ATAXIA-TELANGIECTASIA, COMPLEMENTATION GROUP A. Identifiers: Orphanet 100, MedGen C0004135, MONDO:0008840, OMIM 208900.

Submission:

Labcorp Genetics (formerly Invitae), Labcorp
Classification: Pathogenic for Ataxia-telangiectasia syndrome. Last evaluated: 2023-10-20. Review status: criteria provided, single submitter. Criteria: Invitae Variant Classification Sherloc (09022015). Collection method: clinical testing. Allele origin: unknown.
Comment: This variant is a gross deletion of the genomic region encompassing exon(s) 17-47 of the ATM gene. This variant would be expected to be in-frame, preserving the integrity of the reading frame. This variant has not been reported in the literature in individuals affected with ATM-related conditions. This variant disrupts a region of the ATM protein in which other variant(s) (p.Leu950Arg) have been determined to be pathogenic (PMID: 10873394, 12552559, 20678261, 21792198, 27989354). This suggests that this is a clinically significant region of the protein, and that variants that disrupt it are likely to be disease-causing. For these reasons, this variant has been classified as Pathogenic.

Literature cited by the submitters: PubMed 10873394; PubMed 12552559; PubMed 20678261; PubMed 21792198; PubMed 27989354.